The following is an entry in ClinVar:

NM_000283.4(PDE6B):c.1027G>A (p.Gly343Ser)

Gene: PDE6B (phosphodiesterase 6B; plus strand). Cytogenetic location: 4p16.3.
Variant type: single nucleotide variant.
Coding change: c.1027G>A on transcript NM_000283.4 (MANE Select); coding-DNA position 1027, G replaced by A.
Protein change: p.Gly343Ser; replaces glycine 343 with serine.
Molecular consequence: missense variant. On other transcripts: intron variant (1).
Genome position (GRCh38, 1-based): chr4:655,974, G>A. VCF-style: chr4-655974-G-A. GRCh37 (hg19) VCF-style: chr4-649763-G-A.
Other names: c.1027G>A, p.Gly343Ser (NM_001145291.2); c.190G>A, p.Gly64Ser (NM_001145292.2, NM_001350154.3, NM_001379246.1 and 1 more transcripts); c.-48-900G>A (NM_001350155.3); short protein forms G343S, G64S.
Identifiers: ClinVar variation 955257 (VCV000955257.8), dbSNP rs368173258, ClinGen allele CA2794291.

ClinVar aggregate classification (germline): Uncertain significance. Review status: criteria provided, multiple submitters, no conflicts (2 of 4 stars). 2 submissions from 2 submitters: Uncertain significance (2). Last evaluated 2024-10-25.

Allele frequency attached by ClinVar (database versions not stated): ExAC 0.00001; gnomAD exomes 0.00001 and 0.00002; gnomAD 0.00002; TOPMed 0.00003; ESP Exome Variant Server 0.00008.
gnomAD v4.1: 34 of 1,611,276 alleles (0.0021%); highest among the groups gnomAD compares: Non-Finnish European, 0.0023%; no homozygotes.

Submissions (2):

Labcorp Genetics (formerly Invitae), Labcorp
Classification: Uncertain significance. Last evaluated: 2024-10-25. Review status: criteria provided, single submitter. Criteria: Invitae Variant Classification Sherloc (09022015). Collection method: clinical testing. Allele origin: germline.
Comment: This sequence change replaces glycine, which is neutral and non-polar, with serine, which is neutral and polar, at codon 343 of the PDE6B protein (p.Gly343Ser). This variant is present in population databases (rs368173258, gnomAD 0.003%). This variant has not been reported in the literature in individuals affected with PDE6B-related conditions. ClinVar contains an entry for this variant (Variation ID: 955257). Invitae Evidence Modeling of protein sequence and biophysical properties (such as structural, functional, and spatial information, amino acid conservation, physicochemical variation, residue mobility, and thermodynamic stability) indicates that this missense variant is not expected to disrupt PDE6B protein function with a negative predictive value of 80%. In summary, the available evidence is currently insufficient to determine the role of this variant in disease. Therefore, it has been classified as a Variant of Uncertain Significance.

Blueprint Genetics
Classification: Uncertain significance. Last evaluated: 2023-04-26. Review status: criteria provided, single submitter. Criteria: ACMG Guidelines, 2015. Collection method: clinical testing. Allele origin: germline.